The following is an entry in ClinVar:

ClinVar aggregate classification (germline): Uncertain significance (1 of 4 stars; one submission).

Conditions:
Holocarboxylase synthetase deficiency. Also called: MULTIPLE CARBOXYLASE DEFICIENCY, EARLY ONSET. Identifiers: Orphanet 79242, MedGen C0268581, MONDO:0009666, OMIM 253270.

Submission:

Labcorp Genetics (formerly Invitae), Labcorp
Classification: Uncertain significance for Holocarboxylase synthetase deficiency. Last evaluated: 2021-08-26. Review status: criteria provided, single submitter. Criteria: Invitae Variant Classification Sherloc (09022015). Collection method: clinical testing. Allele origin: germline.
Comment: This sequence change replaces histidine with glutamine at codon 264 of the HLCS protein (p.His264Gln). The histidine residue is weakly conserved and there is a small physicochemical difference between histidine and glutamine. This variant is not present in population databases (ExAC no frequency). This variant has not been reported in the literature in individuals affected with HLCS-related conditions. Algorithms developed to predict the effect of missense changes on protein structure and function output the following: SIFT: "Tolerated"; PolyPhen-2: "Benign"; Align-GVGD: "Class C0". The glutamine amino acid residue is found in multiple mammalian species, which suggests that this missense change does not adversely affect protein function. In summary, the available evidence is currently insufficient to determine the role of this variant in disease. Therefore, it has been classified as a Variant of Uncertain Significance.

NM_001352514.2(HLCS):c.1233C>A (p.His411Gln)

Gene: HLCS (holocarboxylase synthetase; minus strand). Cytogenetic location: 21q22.13.
Variant type: single nucleotide variant.
Coding change: c.1233C>A on transcript NM_001352514.2 (MANE Select); coding-DNA position 1233, C replaced by A.
Protein change: p.His411Gln; replaces histidine 411 with glutamine.
Molecular consequence: missense variant. On other transcripts: non-coding transcript variant (2).
Genome position (GRCh38, 1-based): chr21:36,936,653, G>T on the plus strand (C>A on the coding strand, the complement: HLCS is on the minus strand). VCF-style: chr21-36936653-G-T. GRCh37 (hg19) VCF-style: chr21-38308953-G-T.
Other names: c.792C>A, p.His264Gln (NM_000411.8, NM_001242784.3, NM_001242785.2 and 4 more transcripts); short protein forms H264Q, H411Q.
Identifiers: ClinVar variation 1039991 (VCV001039991.6), dbSNP rs1601802008, ClinGen allele CA409912292.